The following is an entry in ClinVar:

NM_002691.4(POLD1):c.346C>T (p.Pro116Ser)

Gene: POLD1 (DNA polymerase delta 1, catalytic subunit; plus strand). Cytogenetic location: 19q13.33.
Variant type: single nucleotide variant.
Coding change: c.346C>T on transcript NM_002691.4 (MANE Select); coding-DNA position 346, C replaced by T.
Protein change: p.Pro116Ser; replaces proline 116 with serine.
Molecular consequence: missense variant. On other transcripts: non-coding transcript variant (1).
Genome position (GRCh38, 1-based): chr19:50,401,807, C>T. VCF-style: chr19-50401807-C-T. GRCh37 (hg19) VCF-style: chr19-50905064-C-T.
Other names: c.346C>T, p.Pro116Ser (NM_001256849.1, NM_001308632.1); c.346C>T (NM_002691.2); short protein forms P116S.
Identifiers: ClinVar variation 1019177 (VCV001019177.3), dbSNP rs2038643822, ClinGen allele CA406972184.

ClinVar aggregate classification (germline): Uncertain significance. Review status: criteria provided, multiple submitters, no conflicts (2 of 4 stars). 2 submissions from 2 submitters: Uncertain significance (2). Last evaluated 2026-01-22.

Conditions:
Hereditary cancer-predisposing syndrome. Also called: Tumor predisposition; Hereditary Cancer Syndrome; Hereditary neoplastic syndrome; Neoplastic Syndromes, Hereditary. Identifiers: Orphanet 140162, MedGen C0027672, MeSH D009386, MONDO:0015356.
POLD1-related polyposis and colorectal cancer syndrome (CRCS10). Also called: Colorectal cancer 10; COLORECTAL CANCER, SUSCEPTIBILITY TO, ON CHROMOSOME 19q; Colorectal cancer, susceptibility to, 10. Identifiers: Orphanet 220460, MedGen C2675481, MONDO:0012953, OMIM 612591.

Allele frequency attached by ClinVar (database versions not stated): gnomAD exomes below 0.00001.
gnomAD v4.1: 5 of 1,613,300 alleles (0.00031%); highest among the groups gnomAD compares: Non-Finnish European, 0.00042%; no homozygotes.

Submissions (2):

Ambry Genetics
Classification: Uncertain significance for Hereditary cancer-predisposing syndrome. Last evaluated: 2026-01-22. Review status: criteria provided, single submitter. Criteria: Ambry Variant Classification Scheme 2023. Collection method: clinical testing. Allele origin: germline.
Comment: The p.P116S variant (also known as c.346C>T), located in coding exon 3 of the POLD1 gene, results from a C to T substitution at nucleotide position 346. The proline at codon 116 is replaced by serine, an amino acid with similar properties. This amino acid position is conserved. In addition, this alteration is predicted to be tolerated by in silico analysis. Based on the available evidence, the clinical significance of this variant remains unclear.

Labcorp Genetics (formerly Invitae), Labcorp
Classification: Uncertain significance for POLD1-related polyposis and colorectal cancer syndrome. Last evaluated: 2021-08-28. Review status: criteria provided, single submitter. Criteria: Invitae Variant Classification Sherloc (09022015). Collection method: clinical testing. Allele origin: germline.
Comment: This sequence change replaces proline with serine at codon 116 of the POLD1 protein (p.Pro116Ser). The proline residue is weakly conserved and there is a moderate physicochemical difference between proline and serine. This variant is not present in population databases (ExAC no frequency). This variant has not been reported in the literature in individuals affected with POLD1-related conditions. Algorithms developed to predict the effect of missense changes on protein structure and function output the following: SIFT: "Tolerated"; PolyPhen-2: "Benign"; Align-GVGD: "Class C0". The serine amino acid residue is found in multiple mammalian species, which suggests that this missense change does not adversely affect protein function. In summary, the available evidence is currently insufficient to determine the role of this variant in disease. Therefore, it has been classified as a Variant of Uncertain Significance.